The following is an entry in ClinVar:

ClinVar aggregate classification (germline): Uncertain significance (1 of 4 stars; one submission).

gnomAD v4.1: 1 of 1,614,034 alleles (0.000062%); no homozygotes.

Submission:

Labcorp Genetics (formerly Invitae), Labcorp
Classification: Uncertain significance. Last evaluated: 2024-05-26. Review status: criteria provided, single submitter. Criteria: Invitae Variant Classification Sherloc (09022015). Collection method: clinical testing. Allele origin: germline.
Comment: This sequence change replaces glutamic acid, which is acidic and polar, with glutamine, which is neutral and polar, at codon 136 of the FLI1 protein (p.Glu136Gln). This variant is not present in population databases (gnomAD no frequency). This variant has not been reported in the literature in individuals affected with FLI1-related conditions. Advanced modeling of protein sequence and biophysical properties (such as structural, functional, and spatial information, amino acid conservation, physicochemical variation, residue mobility, and thermodynamic stability) performed at Invitae indicates that this missense variant is not expected to disrupt FLI1 protein function with a negative predictive value of 80%. In summary, the available evidence is currently insufficient to determine the role of this variant in disease. Therefore, it has been classified as a Variant of Uncertain Significance.

NM_002017.5(FLI1):c.406G>C (p.Glu136Gln)

Gene: FLI1 (Fli-1 proto-oncogene, ETS transcription factor; plus strand). Cytogenetic location: 11q24.3.
Variant type: single nucleotide variant.
Coding change: c.406G>C on transcript NM_002017.5 (MANE Select); coding-DNA position 406, G replaced by C.
Protein change: p.Glu136Gln; replaces glutamic acid 136 with glutamine.
Molecular consequence: missense variant. On other transcripts: intron variant (1).
Genome position (GRCh38, 1-based): chr11:128,772,802, G>C. VCF-style: chr11-128772802-G-C. GRCh37 (hg19) VCF-style: chr11-128642697-G-C.
Other names: c.307G>C, p.Glu103Gln (NM_001167681.3); c.208G>C, p.Glu70Gln (NM_001271010.2); c.11-9156G>C (NM_001271012.2); short protein forms E136Q, E70Q, E103Q.
Identifiers: ClinVar variation 3682184 (VCV003682184.2).
Genomic context (GRCh38, chr11:128,772,802, plus strand): 5'-CTTCCTGCAGTCCTTGCTAACAACGTCTTCTCCTCTGCAGACCCCACACTGTGGACACAG[G>C]AGCATGTGAGGCAATGGCTGGAGTGGGCCATAAAGGAGTACAGCTTGATGGAGATCGACA-3'
Protein context (NP_002008.2, residues 126-146): VPADPTLWTQ[Glu136Gln]HVRQWLEWAI